The following is an entry in ClinVar:

NM_001128840.3(CACNA1D):c.2719G>A (p.Asp907Asn)

Gene: CACNA1D (calcium voltage-gated channel subunit alpha1 D; plus strand). Cytogenetic location: 3p21.1.
Variant type: single nucleotide variant.
Coding change: c.2719G>A on transcript NM_001128840.3 (MANE Select); coding-DNA position 2719, G replaced by A.
Protein change: p.Asp907Asn; replaces aspartic acid 907 with asparagine.
Molecular consequence: missense variant.
Genome position (GRCh38, 1-based): chr3:53,735,471, G>A. VCF-style: chr3-53735471-G-A. GRCh37 (hg19) VCF-style: chr3-53769498-G-A.
Other names: c.2779G>A, p.Asp927Asn (NM_000720.4); c.2719G>A, p.Asp907Asn (NM_001128839.3); short protein forms D927N, D907N.
Identifiers: ClinVar variation 2994255 (VCV002994255.3), dbSNP rs917373274, ClinGen allele CA74855644.

ClinVar aggregate classification (germline): Uncertain significance (1 of 4 stars; one submission).

Allele frequency attached by ClinVar (database versions not stated): gnomAD exomes below 0.00001; TOPMed 0.00001.
gnomAD v4.1: 2 of 1,613,916 alleles (0.00012%); highest among the groups gnomAD compares: Admixed American, 0.0033%; no homozygotes.

Submission:

Labcorp Genetics (formerly Invitae), Labcorp
Classification: Uncertain significance. Last evaluated: 2023-12-21. Review status: criteria provided, single submitter. Criteria: Invitae Variant Classification Sherloc (09022015). Collection method: clinical testing. Allele origin: germline.
Comment: This sequence change replaces aspartic acid, which is acidic and polar, with asparagine, which is neutral and polar, at codon 927 of the CACNA1D protein (p.Asp927Asn). This variant is present in population databases (no rsID available, gnomAD 0.003%). This variant has not been reported in the literature in individuals affected with CACNA1D-related conditions. Advanced modeling of protein sequence and biophysical properties (such as structural, functional, and spatial information, amino acid conservation, physicochemical variation, residue mobility, and thermodynamic stability) performed at Invitae indicates that this missense variant is not expected to disrupt CACNA1D protein function with a negative predictive value of 80%. In summary, the available evidence is currently insufficient to determine the role of this variant in disease. Therefore, it has been classified as a Variant of Uncertain Significance.